The following is an entry in ClinVar:

NM_170707.4(LMNA):c.1052G>A (p.Arg351Lys)

Gene: LMNA (lamin A/C; plus strand). Cytogenetic location: 1q22.
Variant type: single nucleotide variant.
Coding change: c.1052G>A on transcript NM_170707.4 (MANE Select); coding-DNA position 1052, G replaced by A.
Protein change: p.Arg351Lys; replaces arginine 351 with lysine.
Molecular consequence: missense variant.
Genome position (GRCh38, 1-based): chr1:156,136,016, G>A. VCF-style: chr1-156136016-G-A. GRCh37 (hg19) VCF-style: chr1-156105807-G-A.
Other names: c.716G>A, p.Arg239Lys (NM_001257374.3, NM_001406989.1, NM_001406998.1); c.809G>A, p.Arg270Lys (NM_001282624.2, NM_001406986.1, NM_001406987.1); c.1052G>A, p.Arg351Lys (NM_001282625.2, NM_001282626.2, NM_001406983.1 and 6 more transcripts); c.755G>A, p.Arg252Lys (NM_001406988.1); c.494G>A, p.Arg165Lys (NM_001406990.1, NM_001406993.1, NM_001406995.1 and 4 more transcripts); c.428G>A, p.Arg143Lys (NM_001406994.1, NM_001406999.1, NM_001407000.1 and 1 more transcripts); short protein forms R165K, R270K, R351K, R239K, R252K, R143K.
Identifiers: ClinVar variation 2773540 (VCV002773540.3), dbSNP rs779749639, ClinGen allele CA048892.

ClinVar aggregate classification (germline): Uncertain significance. Review status: criteria provided, multiple submitters, no conflicts (2 of 4 stars). 2 submissions from 2 submitters: Uncertain significance (2). Last evaluated 2024-02-05.

Conditions:
Primary dilated cardiomyopathy (DCM). Also called: Dilated Cardiomyopathy. Identifiers: Orphanet 217604, MedGen C0007193, MeSH D002311, MONDO:0005021, HP:0001644. Inheritance: Various modes of inheritance.
Cardiomyopathy (CMYO). Also called: Cardiomyopathies. Identifiers: Orphanet 167848, MedGen C0878544, MONDO:0004994, HP:0001638. Inheritance: Various modes of inheritance.

Allele frequency attached by ClinVar (database versions not stated): ExAC 0.00001; gnomAD exomes below 0.00001.
gnomAD v4.1: 2 of 1,614,168 alleles (0.00012%); highest among the groups gnomAD compares: East Asian, 0.0045%; no homozygotes.

Submissions (2):

All of Us Research Program, National Institutes of Health
Classification: Uncertain significance for Primary dilated cardiomyopathy. Last evaluated: 2024-02-05. Review status: criteria provided, single submitter. Criteria: ACMG Guidelines, 2015. Collection method: clinical testing. Allele origin: germline. Inheritance: Autosomal dominant inheritance. Observed: 1 variant allele, 1 heterozygote.
Comment: This missense variant replaces arginine with lysine at codon 351 of the LMNA protein. Computational prediction suggests that this variant may not impact protein structure and function (internally defined REVEL score threshold <= 0.5, PMID: 27666373). To our knowledge, functional studies have not been reported for this variant. This variant has been reported in an individual affected with dilated cardiomyopathy (PMID: 32041989). This variant has been identified in 2/251306 chromosomes in the general population by the Genome Aggregation Database (gnomAD). The available evidence is insufficient to determine the role of this variant in disease conclusively. Therefore, this variant is classified as a Variant of Uncertain Significance.

This study involves interpretation of variants in research participants for the purpose of population health screening. Participant phenotype was not available at the time of variant classification. Additional details can be found in publication PMID: 35346344, PMCID: PMC8962531

Color Diagnostics, LLC DBA Color Health
Classification: Uncertain significance for Cardiomyopathy. Last evaluated: 2023-09-01. Review status: criteria provided, single submitter. Criteria: ACMG Guidelines, 2015. Collection method: clinical testing. Allele origin: germline.
Comment: This missense variant replaces arginine with lysine at codon 351 of the LMNA protein. Computational prediction suggests that this variant may not impact protein structure and function (internally defined REVEL score threshold <= 0.5, PMID: 27666373). To our knowledge, functional studies have not been reported for this variant. This variant has been reported in an individual affected with dilated cardiomyopathy (PMID: 32041989). This variant has been identified in 2/251306 chromosomes in the general population by the Genome Aggregation Database (gnomAD). The available evidence is insufficient to determine the role of this variant in disease conclusively. Therefore, this variant is classified as a Variant of Uncertain Significance.

Literature cited by the submitters: PubMed 32041989 (cited by All of Us Research Program, National Institutes of Health and Color Diagnostics, LLC DBA Color Health).